The following is an entry in ClinVar:

ClinVar aggregate classification (germline): Uncertain significance (1 of 4 stars; one submission).

Conditions:
Xeroderma pigmentosum (XP). Identifiers: Orphanet 910, MedGen C0043346, MONDO:0019600.

Allele frequency attached by ClinVar (database versions not stated): TOPMed below 0.00001.

Submission:

Sema4
Classification: Uncertain significance for Xeroderma pigmentosum. Last evaluated: 2021-09-28. Review status: criteria provided, single submitter. Criteria: Sema4 Curation Guidelines. Collection method: curation. Allele origin: germline.
Comment: The XPA c.482C>T (p.P161L) variant has not been reported in the literature to our knowledge. It was not observed in the large and broad cohorts of the Genome Aggregation Database (PMID: 32461654). The variant has not been reported in ClinVar. Functional studies have not been performed, and in silico predictions of the variant's effect on protein function are inconclusive. The evidence is insufficient to meet ACMG/AMP criteria for classifying the variant as benign or pathogenic. Thus, the clinical significance of this variant is currently uncertain.

NM_000380.4(XPA):c.482C>T (p.Pro161Leu)

Gene: XPA (XPA, DNA damage recognition and repair factor; minus strand). Cytogenetic location: 9q22.33.
Variant type: single nucleotide variant.
Coding change: c.482C>T on transcript NM_000380.4 (MANE Select); coding-DNA position 482, C replaced by T.
Protein change: p.Pro161Leu; replaces proline 161 with leucine.
Molecular consequence: missense variant. On other transcripts: non-coding transcript variant (4).
Genome position (GRCh38, 1-based): chr9:97,687,169, G>A on the plus strand (C>T on the coding strand, the complement: XPA is on the minus strand). VCF-style: chr9-97687169-G-A. GRCh37 (hg19) VCF-style: chr9-100449451-G-A.
Other names: c.356C>T, p.Pro119Leu (NM_001354975.2); short protein forms P119L, P161L.
Identifiers: ClinVar variation 1692416 (VCV001692416.1), dbSNP rs1828744402, ClinGen allele CA374187438.